The following is an entry in ClinVar:

NM_005359.6(SMAD4):c.442C>G (p.Leu148Val)

Gene: SMAD4 (SMAD family member 4; plus strand). Cytogenetic location: 18q21.2.
Variant type: single nucleotide variant.
Coding change: c.442C>G on transcript NM_005359.6 (MANE Select); coding-DNA position 442, C replaced by G.
Protein change: p.Leu148Val; replaces leucine 148 with valine.
Molecular consequence: missense variant.
Genome position (GRCh38, 1-based): chr18:51,049,312, C>G. VCF-style: chr18-51049312-C-G. GRCh37 (hg19) VCF-style: chr18-48575682-C-G.
Other names: short protein forms L148V.
Identifiers: ClinVar variation 628350 (VCV000628350.9), dbSNP rs1568203602, ClinGen allele CA402459579.

ClinVar aggregate classification (germline): Uncertain significance. Review status: criteria provided, multiple submitters, no conflicts (2 of 4 stars). 2 submissions from 2 submitters: Uncertain significance (2). Last evaluated 2023-12-04.

Conditions:
Hereditary cancer-predisposing syndrome. Also called: Neoplastic Syndromes, Hereditary; Tumor predisposition; Hereditary neoplastic syndrome; Hereditary Cancer Syndrome. Identifiers: Orphanet 140162, MedGen C0027672, MeSH D009386, MONDO:0015356.
Familial thoracic aortic aneurysm and aortic dissection (TAAD). Also called: Thoracic aortic aneurysms and dissections. Identifiers: Orphanet 91387, MedGen C4707243, MONDO:0019625.

Submissions (2):

Color Diagnostics, LLC DBA Color Health
Classification: Uncertain significance for Hereditary cancer-predisposing syndrome. Last evaluated: 2023-12-04. Review status: criteria provided, single submitter. Criteria: ACMG Guidelines, 2015. Collection method: clinical testing. Allele origin: germline.
Comment: This missense variant replaces leucine with valine at codon 148 of the SMAD4 protein. Computational prediction suggests that this variant may not impact protein structure and function (internally defined REVEL score threshold <= 0.5, PMID: 27666373). To our knowledge, functional studies have not been reported for this variant. This variant has not been reported in individuals affected with SMAD4-related disorders in the literature. This variant has not been identified in the general population by the Genome Aggregation Database (gnomAD). The available evidence is insufficient to determine the role of this variant in disease conclusively. Therefore, this variant is classified as a Variant of Uncertain Significance.

Ambry Genetics
Classification: Uncertain significance for Hereditary cancer-predisposing syndrome; Familial thoracic aortic aneurysm and aortic dissection. Last evaluated: 2018-06-29. Review status: criteria provided, single submitter. Criteria: Ambry Variant Classification Scheme 2023. Collection method: clinical testing. Allele origin: germline.
Comment: The p.L148V variant (also known as c.442C>G), located in coding exon 3 of the SMAD4 gene, results from a C to G substitution at nucleotide position 442. The leucine at codon 148 is replaced by valine, an amino acid with highly similar properties. This amino acid position is highly conserved in available vertebrate species. In addition, the in silico prediction for this alteration is inconclusive. Since supporting evidence is limited at this time, the clinical significance of this alteration remains unclear.